The following is an entry in ClinVar:

ClinVar aggregate classification (germline): Uncertain significance (1 of 4 stars; one submission).

Submission:

Labcorp Genetics (formerly Invitae), Labcorp
Classification: Uncertain significance. Last evaluated: 2023-12-27. Review status: criteria provided, single submitter. Criteria: Invitae Variant Classification Sherloc (09022015). Collection method: clinical testing. Allele origin: germline.
Comment: This sequence change creates a premature translational stop signal (p.Asp8Serfs*2) in the FUK gene. It is expected to result in an absent or disrupted protein product. However, the current clinical and genetic evidence is not sufficient to establish whether loss-of-function variants in FUK cause disease. This variant is not present in population databases (gnomAD no frequency). This variant has not been reported in the literature in individuals affected with FUK-related conditions. In summary, the available evidence is currently insufficient to determine the role of this variant in disease. Therefore, it has been classified as a Variant of Uncertain Significance.

NM_145059.3(FCSK):c.18_21dup (p.Asp8delinsSerTer)

Gene: FCSK (fucose kinase; plus strand). Cytogenetic location: 16q22.1.
Variant type: Duplication.
Coding change: c.18_21dup on transcript NM_145059.3 (MANE Select); coding-DNA positions 18 to 21, 4 bases duplicated (AGTT; older notation c.18_21dupAGTT).
Protein change: p.Asp8delinsSerTer.
Molecular consequence: nonsense.
Genome position (GRCh38, 1-based): chr16:70,463,208-70,463,211, AGTT duplicated. VCF-style (leftmost placement, unchanged base first): chr16-70463207-G-GAGTT. GRCh37 (hg19) VCF-style: chr16-70497110-G-GAGTT.
Identifiers: ClinVar variation 2867986 (VCV002867986.3), dbSNP rs2507412638, ClinGen allele CA2739266884.